The following is an entry in ClinVar:

ClinVar aggregate classification (germline): Uncertain significance (1 of 4 stars; one submission).

Submission:

Labcorp Genetics (formerly Invitae), Labcorp
Classification: Uncertain significance. Last evaluated: 2025-02-07. Review status: criteria provided, single submitter. Criteria: Invitae Variant Classification Sherloc (09022015). Collection method: clinical testing. Allele origin: germline.
Comment: This sequence change replaces lysine, which is basic and polar, with threonine, which is neutral and polar, at codon 504 of the SCN3A protein (p.Lys504Thr). This variant is not present in population databases (gnomAD no frequency). This variant has not been reported in the literature in individuals affected with SCN3A-related conditions. Invitae Evidence Modeling of protein sequence and biophysical properties (such as structural, functional, and spatial information, amino acid conservation, physicochemical variation, residue mobility, and thermodynamic stability) indicates that this missense variant is not expected to disrupt SCN3A protein function with a negative predictive value of 80%. In summary, the available evidence is currently insufficient to determine the role of this variant in disease. Therefore, it has been classified as a Variant of Uncertain Significance.

NM_006922.4(SCN3A):c.1511A>C (p.Lys504Thr)

Gene: SCN3A (sodium voltage-gated channel alpha subunit 3; minus strand). Cytogenetic location: 2q24.3.
Variant type: single nucleotide variant.
Coding change: c.1511A>C on transcript NM_006922.4 (MANE Select); coding-DNA position 1511, A replaced by C.
Protein change: p.Lys504Thr; replaces lysine 504 with threonine.
Molecular consequence: missense variant.
Genome position (GRCh38, 1-based): chr2:165,146,899, T>G on the plus strand (A>C on the coding strand, the complement: SCN3A is on the minus strand). VCF-style: chr2-165146899-T-G. GRCh37 (hg19) VCF-style: chr2-166003409-T-G.
Other names: c.1511A>C, p.Lys504Thr (NM_001081676.2, NM_001081677.2); short protein forms K504T.
Identifiers: ClinVar variation 4805163 (VCV004805163.1).
Genomic context (GRCh38, chr2:165,146,899, plus strand): 5'-GGAAAGCTGTCTCTCTCTCCTTTGTTGTTTCCTTCAAGGTGCTCTCTCTGTCTTCTTTTC[T>G]TCCTTCGGTTCCTCCATTCTTTAGCACTTTTGGAACTCAACTTTGATGCTTCTGAAGAAC-3'
Protein context (NP_008853.3, residues 494-514): KSAKEWRNRR[Lys504Thr]KRRQREHLEG